The following is an entry in ClinVar:

NM_006864.4(LILRB3):c.330C>T (p.Ser110=)

Gene: LILRB3 (leukocyte immunoglobulin like receptor B3; minus strand). Cytogenetic location: 19q13.42.
Variant type: single nucleotide variant.
Coding change: c.330C>T on transcript NM_006864.4 (MANE Select); coding-DNA position 330, C replaced by T.
Protein change: p.Ser110=; no amino-acid change (serine 110 retained).
Molecular consequence: synonymous variant. On other transcripts: non-coding transcript variant (4).
Genome position (GRCh38, 1-based): chr19:54,222,303, G>A on the plus strand (C>T on the coding strand, the complement: LILRB3 is on the minus strand). VCF-style: chr19-54222303-G-A. GRCh37 (hg19) VCF-style: chr19-54726175-G-A.
Other names: c.330C>T, p.Ser110= (NM_001081450.3, NM_001320960.2).
Identifiers: ClinVar variation 3905231 (VCV003905231.10).
Genomic context (GRCh38, chr19:54,222,303, plus strand): 5'-GAGCCTGGGGCTGGGACCCCAGAGTGTCCTCTCACCTGTCATCACCAGCTCCAGGGGGTC[G>A]CTGGGCTCTGACCAGCCTGCAGAGCTGTAATAGTGGCAGCGGTATCTCCCTGCATGGTGC-3'
Protein context (NP_006855.3, residues 100-120): YYSSAGWSEP[Ser110=]DPLELVMTGF

ClinVar aggregate classification (germline): Likely benign (1 of 4 stars; one submission).

Submission:

CeGaT Center for Human Genetics Tuebingen
Classification: Likely benign. Last evaluated: 2025-06-01. Review status: criteria provided, single submitter. Criteria: CeGaT Center For Human Genetics Tuebingen Variant Classification Criteria Version 2. Collection method: clinical testing. Allele origin: germline. Affected: yes. Observed: 1 variant allele.
Comment: LILRB3: BP4, BP7